The following is an entry in ClinVar:

ClinVar aggregate classification (germline): Conflicting classifications of pathogenicity. Review status: criteria provided, conflicting classifications (1 of 4 stars). 2 submissions from 2 submitters: Uncertain significance (1); Likely benign (1). Last evaluated 2025-04-28.

Conditions:
Primary dilated cardiomyopathy (DCM). Also called: Dilated Cardiomyopathy. Identifiers: Orphanet 217604, MedGen C0007193, MeSH D002311, MONDO:0005021, HP:0001644. Inheritance: Various modes of inheritance.

Allele frequency attached by ClinVar (database versions not stated): gnomAD 0.00004 and 0.00011; TOPMed 0.00015; 1000 Genomes Project 30x 0.00062; 1000 Genomes Project 0.00080.
gnomAD v4.1: 184 of 1,611,182 alleles (0.011%); highest among the groups gnomAD compares: East Asian, 0.38%; 1 homozygote.

Submissions (2):

Labcorp Genetics (formerly Invitae), Labcorp
Classification: Likely benign for Primary dilated cardiomyopathy. Last evaluated: 2025-04-28. Review status: criteria provided, single submitter. Criteria: Invitae Variant Classification Sherloc (09022015). Collection method: clinical testing. Allele origin: germline.

Laboratory for Molecular Medicine, Mass General Brigham Personalized Medicine
Classification: Uncertain significance. Last evaluated: 2015-03-12. Review status: criteria provided, single submitter. Criteria: LMM Criteria. Collection method: clinical testing. Allele origin: germline. Observed: 1 variant allele.
Comment: Variant classified as Uncertain Significance - Favor Benign. This variant has also been identified in 0.2% (17 /8642) of East Asian chromosomes by the Exome Aggregation Consortium (ExAC; dbSNP rs75301590). Glutamine (Gln) at position 187 i s not conserved in mammals and 1 mammal (aardvark) has a histidine (His) at this position, raising the possibility that this change may be tolerated. Additional computational prediction tools do not provide strong support for or against an impact to the protein. In summary, while the clinical significance of the p.Gln1 87His variant is uncertain, its frequency suggests that it is more likely to be benign.

Literature cited by the submitters: PubMed 11140941 (cited by Laboratory for Molecular Medicine, Mass General Brigham Personalized Medicine).

NM_006393.3(NEBL):c.561G>C (p.Gln187His)

Gene: NEBL (nebulette; minus strand). Cytogenetic location: 10p12.31.
Variant type: single nucleotide variant.
Coding change: c.561G>C on transcript NM_006393.3 (MANE Select); coding-DNA position 561, G replaced by C.
Protein change: p.Gln187His; replaces glutamine 187 with histidine.
Molecular consequence: missense variant. On other transcripts: intron variant (9).
Genome position (GRCh38, 1-based): chr10:20,869,761, C>G on the plus strand (G>C on the coding strand, the complement: NEBL is on the minus strand). VCF-style: chr10-20869761-C-G. GRCh37 (hg19) VCF-style: chr10-21158690-C-G.
Other names: c.250-56821G>C (NM_001377326.1, NM_001377327.1, NM_001377328.1); c.358-56821G>C (NM_213569.2, NM_001173484.2, NM_001377322.1); c.301-56821G>C (NM_001377324.1); c.292-56821G>C (NM_001377325.1); c.310-56821G>C (NM_001377323.1); short protein forms Q187H.
Identifiers: ClinVar variation 164764 (VCV000164764.14), dbSNP rs75301590, ClinGen allele CA177455.